The following is an entry in ClinVar:

NM_003079.5(SMARCE1):c.1117G>A (p.Gly373Arg)

Gene: SMARCE1 (SWI/SNF related BAF chromatin remodeling complex subunit E1; minus strand). Cytogenetic location: 17q21.2.
Variant type: single nucleotide variant.
Coding change: c.1117G>A on transcript NM_003079.5 (MANE Select); coding-DNA position 1117, G replaced by A.
Protein change: p.Gly373Arg; replaces glycine 373 with arginine.
Molecular consequence: missense variant.
Genome position (GRCh38, 1-based): chr17:40,628,904, C>T on the plus strand (G>A on the coding strand, the complement: SMARCE1 is on the minus strand). VCF-style: chr17-40628904-C-T. GRCh37 (hg19) VCF-style: chr17-38785156-C-T.
Other names: c.1117G>A (NM_003079.4); short protein forms G373R.
Identifiers: ClinVar variation 1385743 (VCV001385743.10), dbSNP rs2037061907, ClinGen allele CA399361321.

ClinVar aggregate classification (germline): Uncertain significance. Review status: criteria provided, multiple submitters, no conflicts (2 of 4 stars). 3 submissions from 3 submitters: Uncertain significance (3). Last evaluated 2025-07-10.

Conditions:
Hereditary cancer-predisposing syndrome. Also called: Neoplastic Syndromes, Hereditary; Tumor predisposition; Hereditary neoplastic syndrome; Hereditary Cancer Syndrome. Identifiers: Orphanet 140162, MedGen C0027672, MeSH D009386, MONDO:0015356.
Familial meningioma. Also called: Meningioma, familial, susceptibility to. Identifiers: Orphanet 263662, MedGen C3551915, MONDO:0011789, OMIM 607174.

Allele frequency attached by ClinVar (database versions not stated): gnomAD exomes below 0.00001; gnomAD 0.00001.
gnomAD v4.1: 5 of 1,613,718 alleles (0.00031%); highest among the groups gnomAD compares: South Asian, 0.0044%; no homozygotes.

Submissions (3):

Ambry Genetics
Classification: Uncertain significance for Hereditary cancer-predisposing syndrome. Last evaluated: 2025-07-10. Review status: criteria provided, single submitter. Criteria: Ambry Variant Classification Scheme 2023. Collection method: clinical testing. Allele origin: germline.
Comment: The p.G373R variant (also known as c.1117G>A), located in coding exon 10 of the SMARCE1 gene, results from a G to A substitution at nucleotide position 1117. The glycine at codon 373 is replaced by arginine, an amino acid with dissimilar properties. This amino acid position is conserved. In addition, this alteration is predicted to be tolerated by in silico analysis. Based on the available evidence, the clinical significance of this variant remains unclear.

Labcorp Genetics (formerly Invitae), Labcorp
Classification: Uncertain significance for Familial meningioma. Last evaluated: 2025-06-23. Review status: criteria provided, single submitter. Criteria: Invitae Variant Classification Sherloc (09022015). Collection method: clinical testing. Allele origin: germline.
Comment: This sequence change replaces glycine, which is neutral and non-polar, with arginine, which is basic and polar, at codon 373 of the SMARCE1 protein (p.Gly373Arg). This variant is not present in population databases (gnomAD no frequency). This variant has not been reported in the literature in individuals affected with SMARCE1-related conditions. ClinVar contains an entry for this variant (Variation ID: 1385743). Invitae Evidence Modeling of protein sequence and biophysical properties (such as structural, functional, and spatial information, amino acid conservation, physicochemical variation, residue mobility, and thermodynamic stability) indicates that this missense variant is not expected to disrupt SMARCE1 protein function with a negative predictive value of 80%. In summary, the available evidence is currently insufficient to determine the role of this variant in disease. Therefore, it has been classified as a Variant of Uncertain Significance.

Baylor Genetics
Classification: Uncertain significance for Familial meningioma. Last evaluated: 2024-03-14. Review status: criteria provided, single submitter. Criteria: ACMG Guidelines, 2015. Collection method: clinical testing. Allele origin: unknown.